The following is an entry in ClinVar:

NM_000384.3(APOB):c.1074C>T (p.Leu358=)

Gene: APOB (apolipoprotein B; minus strand). Cytogenetic location: 2p24.1.
Variant type: single nucleotide variant.
Coding change: c.1074C>T on transcript NM_000384.3 (MANE Select); coding-DNA position 1074, C replaced by T.
Protein change: p.Leu358=; no amino-acid change (leucine 358 retained).
Molecular consequence: synonymous variant.
Genome position (GRCh38, 1-based): chr2:21,033,349, G>A on the plus strand (C>T on the coding strand, the complement: APOB is on the minus strand). VCF-style: chr2-21033349-G-A. GRCh37 (hg19) VCF-style: chr2-21256221-G-A.
Identifiers: ClinVar variation 1784393 (VCV001784393.6), dbSNP rs1372235539, ClinGen allele CA425119308.

ClinVar aggregate classification (germline): Likely benign. Review status: criteria provided, multiple submitters, no conflicts (2 of 4 stars). 3 submissions from 3 submitters: Likely benign (3). Last evaluated 2024-11-18.

Conditions:
Cardiovascular phenotype. Identifiers: MedGen CN230736.
Familial hypobetalipoproteinemia 1. Also called: Hypobetalipoproteinemia, normotriglyceridemic; Acanthocytosis with hypobetalipoproteinemia; APOB-Related Familial Hypobetalipoproteinemia. Identifiers: MedGen C4551990, MONDO:0014252, OMIM 615558.
Hypercholesterolemia, autosomal dominant, type B (FHCL2). Also called: Familial Hypercholesterolemia Type B; APOLIPOPROTEIN B-100, FAMILIAL DEFECTIVE; APOLIPOPROTEIN B-100, FAMILIAL LIGAND-DEFECTIVE; HYPERCHOLESTEROLEMIA, FAMILIAL, DUE TO LIGAND-DEFECTIVE APOLIPOPROTEIN B; Familial hypercholesterolemia 2; APOB-Related Familial Hypercholesterolemia, Autosomal Dominant. Identifiers: MedGen C1704417, MONDO:0007751, OMIM 144010.
Familial hypercholesterolemia. Also called: Familial hypercholesterolaemia; Familial hypercholesterolemias. Identifiers: MedGen C0020445, MONDO:0005439.

Allele frequency attached by ClinVar (database versions not stated): gnomAD exomes 0.00001.
gnomAD v4.1: 8 of 1,614,160 alleles (0.0005%); highest among the groups gnomAD compares: South Asian, 0.0011%; no homozygotes.

Submissions (3):

Labcorp Genetics (formerly Invitae), Labcorp
Classification: Likely benign for Familial hypobetalipoproteinemia 1; Hypercholesterolemia, autosomal dominant, type B. Last evaluated: 2024-11-18. Review status: criteria provided, single submitter. Criteria: Invitae Variant Classification Sherloc (09022015). Collection method: clinical testing. Allele origin: germline.

GENinCode PLC
Classification: Likely benign for Familial hypercholesterolemia. Last evaluated: 2024-02-05. Review status: criteria provided, single submitter. Criteria: ACMG Guidelines, 2015. Collection method: clinical testing. Allele origin: germline.
Comment: This is a synonymous (silent) variant that is not predicted by SpliceAI to impact splicing. In addition, it occurs at a nucleotide that is not conserved. Therefore this variant has been classified as Likely Benign (BP4, BP7).

Ambry Genetics
Classification: Likely benign for Cardiovascular phenotype. Last evaluated: 2021-01-24. Review status: criteria provided, single submitter. Criteria: Ambry Variant Classification Scheme 2023. Collection method: clinical testing. Allele origin: germline.